The following is an entry in ClinVar:

ClinVar aggregate classification (germline): Uncertain significance (1 of 4 stars; one submission).

Allele frequency attached by ClinVar (database versions not stated): gnomAD exomes below 0.00001 and 0.00001; gnomAD 0.00004.

Submission:

Labcorp Genetics (formerly Invitae), Labcorp
Classification: Uncertain significance. Last evaluated: 2021-09-19. Review status: criteria provided, single submitter. Criteria: Invitae Variant Classification Sherloc (09022015). Collection method: clinical testing. Allele origin: germline.
Comment: In summary, the available evidence is currently insufficient to determine the role of this variant in disease. Therefore, it has been classified as a Variant of Uncertain Significance. Algorithms developed to predict the effect of missense changes on protein structure and function are either unavailable or do not agree on the potential impact of this missense change (SIFT: "Deleterious"; PolyPhen-2: "Not Available"; Align-GVGD: "Class C0"). This variant has not been reported in the literature in individuals affected with KRT9-related conditions. This variant is not present in population databases (ExAC no frequency). This sequence change replaces glycine with arginine at codon 528 of the KRT9 protein (p.Gly528Arg). The glycine residue is highly conserved and there is a moderate physicochemical difference between glycine and arginine.

NM_000226.4(KRT9):c.1582G>A (p.Gly528Arg)

Gene: KRT9 (keratin 9; minus strand). Cytogenetic location: 17q21.2.
Variant type: single nucleotide variant.
Coding change: c.1582G>A on transcript NM_000226.4 (MANE Select); coding-DNA position 1582, G replaced by A.
Protein change: p.Gly528Arg; replaces glycine 528 with arginine.
Molecular consequence: missense variant.
Genome position (GRCh38, 1-based): chr17:41,567,563, C>T on the plus strand (G>A on the coding strand, the complement: KRT9 is on the minus strand). VCF-style: chr17-41567563-C-T. GRCh37 (hg19) VCF-style: chr17-39723815-C-T.
Other names: short protein forms G528R.
Identifiers: ClinVar variation 1472086 (VCV001472086.6), dbSNP rs1014865426, ClinGen allele CA290676924.
Genomic context (GRCh38, chr17:41,567,563, plus strand): 5'-CTCCACTTCCTCCGCTATGGCCACCTCCACTTCCTCCACCATAGCCACCTCCACTACCTC[C>T]TCCAGAACCACTTCCTCCACCGTAGCTGCCTCCACTTCCTCCCCTGGACCCACTTCCTCC-3'
Protein context (NP_000217.2, residues 518-538): GSYGGGSGSG[Gly528Arg]GSGGGYGGGS